The following is an entry in ClinVar:

ClinVar aggregate classification (germline): Benign. Review status: criteria provided, multiple submitters, no conflicts (2 of 4 stars). 2 submissions from 2 submitters: Benign (2). Last evaluated 2018-01-13.

Conditions:
Transcobalamin II deficiency (TCN2D). Also called: Transcolabamin II deficiency; TC II DEFICIENCY; TCN2 DEFICIENCY. Identifiers: Orphanet 859, MedGen C0342701, MONDO:0010149, OMIM 275350.

Allele frequency attached by ClinVar (database versions not stated): 1000 Genomes Project 0.00978; 1000 Genomes Project 30x 0.00999; TOPMed 0.01085.

Submissions (2):

Illumina Laboratory Services, Illumina
Classification: Benign for Transcobalamin II deficiency. Last evaluated: 2018-01-13. Review status: criteria provided, single submitter. Criteria: ICSL Variant Classification Criteria 13 December 2019. Collection method: clinical testing. Allele origin: germline.
Comment: This variant was observed in the ICSL laboratory as part of a predisposition screen in an ostensibly healthy population. It had not been previously curated by ICSL or reported in the Human Gene Mutation Database (HGMD: prior to June 1st, 2018), and was therefore a candidate for classification through an automated scoring system. Utilizing variant allele frequency, disease prevalence and penetrance estimates, and inheritance mode, an automated score was calculated to assess if this variant is too frequent to cause the disease. Based on the score and internal cut-off values, a variant classified as benign is not then subjected to further curation. The score for this variant resulted in a classification of benign for this disease.

Breakthrough Genomics
Classification: Benign. Review status: criteria provided, single submitter. Criteria: ACMG Guidelines, 2015. Collection method: not provided. Allele origin: germline. Inheritance: Autosomal recessive inheritance. Affected: yes.

NM_000355.3(TCN2):c.-215C>T

Genes: TCN2 (transcobalamin 2; plus strand), LOC121853040 (Sharpr-MPRA regulatory region 10016; plus strand). Cytogenetic location: 22q12.2.
Variant type: single nucleotide variant.
Coding change: c.-215C>T on transcript NM_000355.3; 215 bases upstream of the start codon, C replaced by T.
Genome position (GRCh38, 1-based): chr22:30,607,117, C>T. VCF-style: chr22-30607117-C-T. GRCh37 (hg19) VCF-style: chr22-31003104-C-T.
Identifiers: ClinVar variation 341180 (VCV000341180.8), dbSNP rs79083159, ClinGen allele CA10651072.
Genomic context (GRCh38, chr22:30,607,117, plus strand): 5'-CTAGCCCTCCTCCTCCCTTTGTTCCCTACCTCCAGGAGGGCTGCTCTGCCCTTCCTTCCT[C>T]TGTTCTTTGGCCTTATGTTCCCCGCCACCACAGACCTTCCCCCGCCCCACCCCTCTGCAG-3'